The following is an entry in ClinVar:

NM_001134407.3(GRIN2A):c.3359T>G (p.Ile1120Arg)

Gene: GRIN2A (glutamate ionotropic receptor NMDA type subunit 2A; minus strand). Cytogenetic location: 16p13.2.
Variant type: single nucleotide variant.
Coding change: c.3359T>G on transcript NM_001134407.3 (MANE Select); coding-DNA position 3359, T replaced by G.
Protein change: p.Ile1120Arg; replaces isoleucine 1120 with arginine.
Molecular consequence: missense variant.
Genome position (GRCh38, 1-based): chr16:9,764,185, A>C on the plus strand (T>G on the coding strand, the complement: GRIN2A is on the minus strand). VCF-style: chr16-9764185-A-C. GRCh37 (hg19) VCF-style: chr16-9858042-A-C.
Other names: c.3359T>G, p.Ile1120Arg (NM_000833.5, NM_001134408.2); short protein forms I1120R.
Identifiers: ClinVar variation 2859642 (VCV002859642.3), dbSNP rs2141133073, ClinGen allele CA394708038.

ClinVar aggregate classification (germline): Uncertain significance (1 of 4 stars; one submission).

Conditions:
Landau-Kleffner syndrome (FESD). Also called: EPILEPSY, FOCAL, WITH SPEECH DISORDER AND WITH OR WITHOUT MENTAL RETARDATION; APHASIA, ACQUIRED, WITH EPILEPSY. Identifiers: Orphanet 1945, Orphanet 725, Orphanet 98818, MedGen C0282512, MONDO:0009509, OMIM 245570.

Submission:

Labcorp Genetics (formerly Invitae), Labcorp
Classification: Uncertain significance for Landau-Kleffner syndrome. Last evaluated: 2023-04-27. Review status: criteria provided, single submitter. Criteria: Invitae Variant Classification Sherloc (09022015). Collection method: clinical testing. Allele origin: germline.
Comment: This sequence change replaces isoleucine, which is neutral and non-polar, with arginine, which is basic and polar, at codon 1120 of the GRIN2A protein (p.Ile1120Arg). This variant is not present in population databases (gnomAD no frequency). This variant has not been reported in the literature in individuals affected with GRIN2A-related conditions. Advanced modeling of protein sequence and biophysical properties (such as structural, functional, and spatial information, amino acid conservation, physicochemical variation, residue mobility, and thermodynamic stability) performed at Invitae indicates that this missense variant is not expected to disrupt GRIN2A protein function. In summary, the available evidence is currently insufficient to determine the role of this variant in disease. Therefore, it has been classified as a Variant of Uncertain Significance.